The following is an entry in ClinVar:

NM_020831.6(MRTFA):c.1777C>A (p.Pro593Thr)

Gene: MRTFA (myocardin related transcription factor A; minus strand). Cytogenetic location: 22q13.1.
Variant type: single nucleotide variant.
Coding change: c.1777C>A on transcript NM_020831.6 (MANE Select); coding-DNA position 1777, C replaced by A.
Protein change: p.Pro593Thr; replaces proline 593 with threonine.
Molecular consequence: missense variant.
Genome position (GRCh38, 1-based): chr22:40,418,961, G>T on the plus strand (C>A on the coding strand, the complement: MRTFA is on the minus strand). VCF-style: chr22-40418961-G-T. GRCh37 (hg19) VCF-style: chr22-40814965-G-T.
Other names: c.1477C>A, p.Pro493Thr (NM_001282660.2); c.1627C>A, p.Pro543Thr (NM_001282661.3); c.1777C>A, p.Pro593Thr (NM_001282662.3); c.1582C>A, p.Pro528Thr (NM_001318139.2); c.1477C>A (NM_020831.3); short protein forms P493T, P528T, P543T, P593T.
Identifiers: ClinVar variation 1337929 (VCV001337929.5), dbSNP rs200565523, ClinGen allele CA10249559.
Genomic context (GRCh38, chr22:40,418,961, plus strand): 5'-CAGGGCTCAGGCAACAGGACCCGGCCCGGGGGCCCTCCTCCTTCACGAGGATCTGCAGTG[G>T]CGAGGCCTGCAGGGTCAGCTGCGTCAGAGGTGATGTCACCATCTCACCAAAGGTGTCCCC-3'
Protein context (NP_065882.2, residues 583-603): PLTQLTLQAS[Pro593Thr]LQILVKEEGP

ClinVar aggregate classification (germline): Uncertain significance. Review status: criteria provided, multiple submitters, no conflicts (2 of 4 stars). 2 submissions from 2 submitters: Uncertain significance (2). Last evaluated 2025-02-26.

Allele frequency attached by ClinVar (database versions not stated): ESP Exome Variant Server 0.00008.
gnomAD v4.1: 55 of 1,612,794 alleles (0.0034%); highest among the groups gnomAD compares: Non-Finnish European, 0.0035%; no homozygotes.

Submissions (2):

Ambry Genetics
Classification: Uncertain significance. Last evaluated: 2025-02-26. Review status: criteria provided, single submitter. Criteria: Ambry Variant Classification Scheme 2023. Collection method: clinical testing. Allele origin: germline.

Genetic Services Laboratory, University of Chicago
Classification: Uncertain significance. Last evaluated: 2021-04-30. Review status: criteria provided, single submitter. Criteria: ACMG Guidelines, 2015. Collection method: clinical testing. Allele origin: germline. Affected: no.
Comment: DNA sequence analysis of the MRTFA gene demonstrated a sequence change, c.1777C>A, in exon 12 that results in an amino acid change, p.Pro593Thr. This sequence change has been described in gnomAD with a frequency of 0.022% in the Non-Finnish European sub-population (dbSNP rs200565523). The p.Pro593Thr change affects a moderately conserved amino acid residue located in a domain of the MRTFA protein that is not known to be functional. In-silico pathogenicity prediction tools (SIFT, PolyPhen2, Align GVGD, REVEL) provide contradictory results for the p.Pro593Thr substitution. This sequence change does not appear to have been previously described in patients with MRTFA-related disorders and has also not been described as a known benign sequence change in the MRTFA gene. Due to the lack of sufficient evidences, the clinical significance of the p.Pro593Thr change remains unknown at this time.